The following is an entry in ClinVar:

NM_000016.6(ACADM):c.1237C>A (p.Arg413Ser)

Gene: ACADM (acyl-CoA dehydrogenase medium chain; plus strand). Cytogenetic location: 1p31.1.
Variant type: single nucleotide variant.
Coding change: c.1237C>A on transcript NM_000016.6 (MANE Select); coding-DNA position 1237, C replaced by A.
Protein change: p.Arg413Ser; replaces arginine 413 with serine.
Molecular consequence: missense variant.
Genome position (GRCh38, 1-based): chr1:75,762,734, C>A. VCF-style: chr1-75762734-C-A. GRCh37 (hg19) VCF-style: chr1-76228419-C-A.
Other names: c.1249C>A, p.Arg417Ser (NM_001127328.3); c.1129C>A, p.Arg377Ser (NM_001286042.2); c.1336C>A, p.Arg446Ser (NM_001286043.2); c.670C>A, p.Arg224Ser (NM_001286044.2); short protein forms R224S, R377S, R413S, R417S, R446S.
Identifiers: ClinVar variation 2679926 (VCV002679926.2), dbSNP rs139686925, ClinGen allele CA913315.
Genomic context (GRCh38, chr1:75,762,734, plus strand): 5'-CTTATATTTTTCTTGCAGATTTATGAAGGTACTTCACAAATTCAAAGACTTATTGTAGCC[C>A]GTGAACACATTGACAAGTACAAAAATTAAAAAAATTACTGTAGAAATATTGAATAACTAG-3'
Protein context (NP_000007.1, residues 403-421): TSQIQRLIVA[Arg413Ser]EHIDKYKN

ClinVar aggregate classification (germline): Pathogenic/Likely pathogenic. Review status: criteria provided, multiple submitters, no conflicts (2 of 4 stars). 2 submissions from 2 submitters: Pathogenic (1); Likely pathogenic (1). Last evaluated 2025-06-20.

Conditions:
Medium-chain acyl-coenzyme A dehydrogenase deficiency (ACADMD). Also called: MCADH DEFICIENCY; MCADD; ACADM DEFICIENCY; CARNITINE DEFICIENCY SECONDARY TO MEDIUM-CHAIN ACYL-CoA DEHYDROGENASE DEFICIENCY; MCAD Deficiency; Medium chain acyl-CoA dehydrogenase deficiency. Identifiers: Orphanet 42, MedGen C0220710, MONDO:0008721, OMIM 201450.

gnomAD v4.1: 22 of 1,606,746 alleles (0.0014%); highest among the groups gnomAD compares: East Asian, 0.0022%; no homozygotes.

Submissions (2):

Natera, Inc.
Classification: Likely pathogenic for Medium Chain Acyl-CoA Dehydrogenase Deficiency. Last evaluated: 2025-06-20. Review status: criteria provided, single submitter. Criteria: Natera Variant Classification Schema (03/2026). Collection method: clinical testing. Allele origin: germline.
Comment: The c.1237C>A variant in ACADM is a missense variant predicted to cause substitution of arginine to serine at amino acid 413. This variant is rare in the general population with a frequency below the threshold expected for the associated phenotype(s). This variant has been observed in one or more individuals affected with the associated recessive disease, as either homozygous or compound heterozygous with a second variant (PMID: 15832312, 31836396). Functional studies show that this variant may disrupt protein function (PMID: 24718418). Computational prediction algorithms indicate this variant is likely to affect gene or protein function. Given the available evidence, this variant is classified as Likely Pathogenic.

Baylor Genetics
Classification: Pathogenic for Medium-chain acyl-coenzyme A dehydrogenase deficiency. Last evaluated: 2023-04-10. Review status: criteria provided, single submitter. Criteria: ACMG Guidelines, 2015. Collection method: clinical testing. Allele origin: unknown.

Literature cited by the submitters: PubMed 15832312 (cited by Natera, Inc.); PubMed 31836396 (cited by Natera, Inc.); PubMed 24718418 (cited by Natera, Inc.).